The following is an entry in ClinVar:

NM_002582.4(PARN):c.328-17T>G

Gene: PARN (poly(A)-specific ribonuclease; minus strand). Cytogenetic location: 16p13.12.
Variant type: single nucleotide variant.
Coding change: c.328-17T>G on transcript NM_002582.4 (MANE Select); 17 bases into the intron before coding-DNA position 328, T replaced by G.
Molecular consequence: intron variant.
Genome position (GRCh38, 1-based): chr16:14,617,667, A>C on the plus strand (T>G on the coding strand, the complement: PARN is on the minus strand). VCF-style: chr16-14617667-A-C. GRCh37 (hg19) VCF-style: chr16-14711524-A-C.
Other names: c.145-17T>G (NM_001134477.3); c.190-17T>G (NM_001242992.2).
Identifiers: ClinVar variation 2936663 (VCV002936663.3), dbSNP rs2508495631, ClinGen allele CA2740093263.
Genomic context (GRCh38, chr16:14,617,667, plus strand): 5'-TTAAAATCAAATCCCTGGCTTGCTAGAAAGTCAATGCTGGAGCTCTGAAACAGAGTAAAC[A>C]GAACACATGTTTTGGGGATGTTAGCGGCAGGAATATAAAGAGATGCAGAGAAGTAACTCA-3'

ClinVar aggregate classification (germline): Uncertain significance (1 of 4 stars; one submission).

Conditions:
Dyskeratosis congenita, autosomal recessive 6 (DKCB6). Identifiers: MedGen C4225356, MONDO:0014600, OMIM 616353.
Pulmonary fibrosis and/or bone marrow failure, Telomere-related, 4. Also called: PULMONARY FIBROSIS AND/OR BONE MARROW FAILURE SYNDROME, TELOMERE-RELATED, 4. Identifiers: Orphanet 2032, MedGen C4225347, MONDO:0014612, OMIM 616371.

Submission:

Labcorp Genetics (formerly Invitae), Labcorp
Classification: Uncertain significance for Dyskeratosis congenita, autosomal recessive 6; Pulmonary fibrosis and/or bone marrow failure, Telomere-related, 4. Last evaluated: 2023-01-01. Review status: criteria provided, single submitter. Criteria: Invitae Variant Classification Sherloc (09022015). Collection method: clinical testing. Allele origin: germline.
Comment: This sequence change falls in intron 5 of the PARN gene. It does not directly change the encoded amino acid sequence of the PARN protein. This variant is not present in population databases (gnomAD no frequency). This variant has not been reported in the literature in individuals affected with PARN-related conditions. Algorithms developed to predict the effect of sequence changes on RNA splicing suggest that this variant may disrupt the consensus splice site. In summary, the available evidence is currently insufficient to determine the role of this variant in disease. Therefore, it has been classified as a Variant of Uncertain Significance.